The following is an entry in ClinVar:

ClinVar aggregate classification (germline): Uncertain significance (1 of 4 stars; one submission).

gnomAD v4.1: 1 of 1,612,918 alleles (0.000062%); no homozygotes.

Submission:

Labcorp Genetics (formerly Invitae), Labcorp
Classification: Uncertain significance. Last evaluated: 2024-06-01. Review status: criteria provided, single submitter. Criteria: Invitae Variant Classification Sherloc (09022015). Collection method: clinical testing. Allele origin: germline.
Comment: This sequence change replaces alanine, which is neutral and non-polar, with valine, which is neutral and non-polar, at codon 717 of the MACF1 protein (p.Ala717Val). This variant is not present in population databases (gnomAD no frequency). This variant has not been reported in the literature in individuals affected with MACF1-related conditions. An algorithm developed to predict the effect of missense changes on protein structure and function (PolyPhen-2) suggests that this variant is likely to be tolerated. In summary, the available evidence is currently insufficient to determine the role of this variant in disease. Therefore, it has been classified as a Variant of Uncertain Significance.

NM_001394062.1(MACF1):c.2135C>T (p.Ala712Val)

Gene: MACF1 (microtubule actin crosslinking factor 1; plus strand). Cytogenetic location: 1p34.3.
Variant type: single nucleotide variant.
Coding change: c.2135C>T on transcript NM_001394062.1 (MANE Select); coding-DNA position 2135, C replaced by T.
Protein change: p.Ala712Val; replaces alanine 712 with valine.
Molecular consequence: missense variant.
Genome position (GRCh38, 1-based): chr1:39,293,600, C>T. VCF-style: chr1-39293600-C-T. GRCh37 (hg19) VCF-style: chr1-39759272-C-T.
Other names: c.2150C>T, p.Ala717Val (NM_012090.5); short protein forms A712V, A717V.
Identifiers: ClinVar variation 3678635 (VCV003678635.2).